The following is an entry in ClinVar:

NM_024529.5(CDC73):c.529A>G (p.Met177Val)

Gene: CDC73 (cell division cycle 73; plus strand). Cytogenetic location: 1q31.2.
Variant type: single nucleotide variant.
Coding change: c.529A>G on transcript NM_024529.5 (MANE Select); coding-DNA position 529, A replaced by G.
Protein change: p.Met177Val; replaces methionine 177 with valine.
Molecular consequence: missense variant.
Genome position (GRCh38, 1-based): chr1:193,141,866, A>G. VCF-style: chr1-193141866-A-G. GRCh37 (hg19) VCF-style: chr1-193110996-A-G.
Other names: short protein forms M177V.
Identifiers: ClinVar variation 1746667 (VCV001746667.7), dbSNP rs2527324309, ClinGen allele CA343962245.

ClinVar aggregate classification (germline): Uncertain significance. Review status: criteria provided, multiple submitters, no conflicts (2 of 4 stars). 2 submissions from 2 submitters: Uncertain significance (2). Last evaluated 2022-08-16.

Conditions:
Hereditary cancer-predisposing syndrome. Also called: Hereditary Cancer Syndrome; Neoplastic Syndromes, Hereditary; Tumor predisposition; Hereditary neoplastic syndrome. Identifiers: Orphanet 140162, MedGen C0027672, MeSH D009386, MONDO:0015356.
Parathyroid carcinoma (PRTC). Also called: CDC73-Related Parathyroid Carcinoma; Parathyroid gland carcinoma. Identifiers: Orphanet 143, MedGen C0687150, MONDO:0012004, OMIM 608266, HP:0006780.

Submissions (2):

Ambry Genetics
Classification: Uncertain significance for Hereditary cancer-predisposing syndrome. Last evaluated: 2022-08-16. Review status: criteria provided, single submitter. Criteria: Ambry Variant Classification Scheme 2023. Collection method: clinical testing. Allele origin: germline.
Comment: The p.M177V variant (also known as c.529A>G), located in coding exon 7 of the CDC73 gene, results from an A to G substitution at nucleotide position 529. The methionine at codon 177 is replaced by valine, an amino acid with highly similar properties. This amino acid position is conserved. In addition, the in silico prediction for this alteration is inconclusive. Since supporting evidence is limited at this time, the clinical significance of this alteration remains unclear.

Labcorp Genetics (formerly Invitae), Labcorp
Classification: Uncertain significance for Parathyroid carcinoma. Last evaluated: 2021-12-12. Review status: criteria provided, single submitter. Criteria: Invitae Variant Classification Sherloc (09022015). Collection method: clinical testing. Allele origin: germline.
Comment: In summary, the available evidence is currently insufficient to determine the role of this variant in disease. Therefore, it has been classified as a Variant of Uncertain Significance. Algorithms developed to predict the effect of missense changes on protein structure and function (SIFT, PolyPhen-2, Align-GVGD) all suggest that this variant is likely to be tolerated. This variant has not been reported in the literature in individuals affected with CDC73-related conditions. This variant is not present in population databases (gnomAD no frequency). This sequence change replaces methionine, which is neutral and non-polar, with valine, which is neutral and non-polar, at codon 177 of the CDC73 protein (p.Met177Val).